The following is an entry in ClinVar:

NM_001099271.2(POC5):c.1466G>A (p.Arg489Gln)

Gene: POC5 (POC5 centriolar protein; minus strand). Cytogenetic location: 5q13.3.
Variant type: single nucleotide variant.
Coding change: c.1466G>A on transcript NM_001099271.2 (MANE Select); coding-DNA position 1466, G replaced by A.
Protein change: p.Arg489Gln; replaces arginine 489 with glutamine.
Molecular consequence: missense variant.
Genome position (GRCh38, 1-based): chr5:75,677,892, C>T on the plus strand (G>A on the coding strand, the complement: POC5 is on the minus strand). VCF-style: chr5-75677892-C-T. GRCh37 (hg19) VCF-style: chr5-74973717-C-T.
Other names: c.1391G>A, p.Arg464Gln (NM_152408.3); short protein forms R464Q, R489Q.
Identifiers: ClinVar variation 2059682 (VCV002059682.5), dbSNP rs751771115, ClinGen allele CA3310304.
Genomic context (GRCh38, chr5:75,677,892, plus strand): 5'-ATTATAGCTAAACTGCTGCTAATTCTATTTTTTGAAGCAAAATCACATCTTCCTGTGATC[C>T]GGGCTGTAATAGTTCTTCCTGCTTTCTGTTGTGCAGAGGTTACAACTCTTGGCACATACT-3'
Protein context (NP_001092741.1, residues 479-499): QQKAGRTITA[Arg489Gln]ITGRCDFASK

ClinVar aggregate classification (germline): Uncertain significance. Review status: criteria provided, single submitter (1 of 4 stars). 2 submissions from 2 submitters: Uncertain significance (1). 1 of the submissions does not count toward it. Last evaluated 2025-05-05.

Conditions:
Retinal dystrophy. Also called: Inherited retinal dystrophy. Identifiers: Orphanet 71862, MedGen C0854723, MeSH D058499, MONDO:0019118, HP:0000556.

Allele frequency attached by ClinVar (database versions not stated): gnomAD 0.00004; ExAC 0.00005; gnomAD exomes 0.00005; TOPMed 0.00005.
gnomAD v4.1: 75 of 1,610,990 alleles (0.0047%); highest among the groups gnomAD compares: African/African-American, 0.012%; no homozygotes.

Submissions (2):

Labcorp Genetics (formerly Invitae), Labcorp
Classification: Uncertain significance. Last evaluated: 2025-05-05. Review status: criteria provided, single submitter. Criteria: Invitae Variant Classification Sherloc (09022015). Collection method: clinical testing. Allele origin: germline.
Comment: This sequence change replaces arginine, which is basic and polar, with glutamine, which is neutral and polar, at codon 489 of the POC5 protein (p.Arg489Gln). This variant is present in population databases (rs751771115, gnomAD 0.03%). This variant has not been reported in the literature in individuals affected with POC5-related conditions. ClinVar contains an entry for this variant (Variation ID: 2059682). An algorithm developed to predict the effect of missense changes on protein structure and function (PolyPhen-2) suggests that this variant is likely to be disruptive. In summary, the available evidence is currently insufficient to determine the role of this variant in disease. Therefore, it has been classified as a Variant of Uncertain Significance.

Institute of Human Genetics, Univ. Regensburg, Univ. Regensburg
Classification: Uncertain significance for Retinal dystrophy. Last evaluated: 2022-01-01. Review status: no assertion criteria provided. Criteria: ACMG Guidelines, 2015. Collection method: clinical testing. Allele origin: germline. Affected: yes. Not counted in ClinVar's aggregate classification.